The following is an entry in ClinVar:

ClinVar aggregate classification (germline): Likely benign (1 of 4 stars; one submission).

Submission:

CeGaT Center for Human Genetics Tuebingen
Classification: Likely benign. Last evaluated: 2024-08-01. Review status: criteria provided, single submitter. Criteria: CeGaT Center For Human Genetics Tuebingen Variant Classification Criteria Version 2. Collection method: clinical testing. Allele origin: germline. Affected: yes. Observed: 1 variant allele.
Comment: SRRM2: BP4, BP7

NM_016333.4(SRRM2):c.2493A>G (p.Ser831=)

Gene: SRRM2 (serine/arginine repetitive matrix 2; plus strand). Cytogenetic location: 16p13.3.
Variant type: single nucleotide variant.
Coding change: c.2493A>G on transcript NM_016333.4 (MANE Select); coding-DNA position 2493, A replaced by G.
Protein change: p.Ser831=; no amino-acid change (serine 831 retained).
Molecular consequence: synonymous variant.
Genome position (GRCh38, 1-based): chr16:2,763,021, A>G. VCF-style: chr16-2763021-A-G. GRCh37 (hg19) VCF-style: chr16-2813022-A-G.
Identifiers: ClinVar variation 3341775 (VCV003341775.16).